The following is an entry in ClinVar:

ClinVar aggregate classification (germline): Likely benign. Review status: criteria provided, multiple submitters, no conflicts (2 of 4 stars). 2 submissions from 2 submitters: Likely benign (2). Last evaluated 2026-01-09.

Conditions:
BAP1-related disorder. Also called: BAP1-related condition.
BAP1-related tumor predisposition syndrome (TPDS1). Also called: Tumor susceptibility linked to germline BAP1 mutations; BAP1 tumor predisposition syndrome; COMMON Syndrome; TUMOR PREDISPOSITION SYNDROME 1. Identifiers: Orphanet 289539, MedGen C3280492, MONDO:0013692, OMIM 614327.

gnomAD v4.1: 2 of 1,614,146 alleles (0.00012%); highest among the groups gnomAD compares: South Asian, 0.0011%; no homozygotes.

Submissions (2):

PreventionGenetics, part of Exact Sciences
Classification: Likely benign for BAP1-related condition. Last evaluated: 2026-01-09. Review status: criteria provided, single submitter. Criteria: ACMG Guidelines, 2015. Collection method: clinical testing. Allele origin: germline.
Comment: This variant is classified as likely benign based on ACMG/AMP sequence variant interpretation guidelines (Richards et al. 2015 PMID: 25741868, with internal and published modifications).

Labcorp Genetics (formerly Invitae), Labcorp
Classification: Likely benign for BAP1-related tumor predisposition syndrome. Last evaluated: 2019-10-19. Review status: criteria provided, single submitter. Criteria: Invitae Variant Classification Sherloc (09022015). Collection method: clinical testing. Allele origin: germline.

NM_004656.4(BAP1):c.1566T>C (p.Pro522=)

Gene: BAP1 (BRCA1 associated deubiquitinase 1; minus strand). Cytogenetic location: 3p21.1.
Variant type: single nucleotide variant.
Coding change: c.1566T>C on transcript NM_004656.4 (MANE Select); coding-DNA position 1566, T replaced by C.
Protein change: p.Pro522=; no amino-acid change (proline 522 retained).
Molecular consequence: synonymous variant.
Genome position (GRCh38, 1-based): chr3:52,403,579, A>G on the plus strand (T>C on the coding strand, the complement: BAP1 is on the minus strand). VCF-style: chr3-52403579-A-G. GRCh37 (hg19) VCF-style: chr3-52437595-A-G.
Other names: c.1566T>C (NM_004656.3).
Identifiers: ClinVar variation 1128479 (VCV001128479.8), dbSNP rs2153226666, ClinGen allele CA433886171.
Genomic context (GRCh38, chr3:52,403,579, plus strand): 5'-GTCAACACGCAGCAGGCTGTCATCCTCTCCAAAAAGCACCTTGGAGATGTGGGAGGTGAC[A>G]GGGCTGGAGGGCCGCGTCGGGTTGGCTGAGCGGATAGGCGAGCGCAGTGGCGAGTTGAAA-3'
Protein context (NP_004647.1, residues 512-532): RSANPTRPSS[Pro522=]VTSHISKVLF